The following is an entry in ClinVar:

ClinVar aggregate classification (germline): Uncertain significance (1 of 4 stars; one submission).

Allele frequency attached by ClinVar (database versions not stated): TOPMed 0.00001.
gnomAD v4.1: 3 of 1,613,292 alleles (0.00019%); highest among the groups gnomAD compares: South Asian, 0.0011%; no homozygotes.

Submission:

Labcorp Genetics (formerly Invitae), Labcorp
Classification: Uncertain significance. Last evaluated: 2022-06-08. Review status: criteria provided, single submitter. Criteria: Invitae Variant Classification Sherloc (09022015). Collection method: clinical testing. Allele origin: germline.
Comment: This sequence change replaces glutamic acid, which is acidic and polar, with aspartic acid, which is acidic and polar, at codon 3733 of the ADGRV1 protein (p.Glu3733Asp). This variant is present in population databases (no rsID available, gnomAD 0.0009%). This variant has not been reported in the literature in individuals affected with ADGRV1-related conditions. Algorithms developed to predict the effect of missense changes on protein structure and function are either unavailable or do not agree on the potential impact of this missense change (SIFT: "Tolerated"; PolyPhen-2: "Possibly Damaging"; Align-GVGD: "Class C0"). In summary, the available evidence is currently insufficient to determine the role of this variant in disease. Therefore, it has been classified as a Variant of Uncertain Significance.

NM_032119.4(ADGRV1):c.11199G>T (p.Glu3733Asp)

Gene: ADGRV1 (adhesion G protein-coupled receptor V1; plus strand). Cytogenetic location: 5q14.3.
Variant type: single nucleotide variant.
Coding change: c.11199G>T on transcript NM_032119.4 (MANE Select); coding-DNA position 11199, G replaced by T.
Protein change: p.Glu3733Asp; replaces glutamic acid 3733 with aspartic acid.
Molecular consequence: missense variant. On other transcripts: non-coding transcript variant (1).
Genome position (GRCh38, 1-based): chr5:90,753,651, G>T. VCF-style: chr5-90753651-G-T. GRCh37 (hg19) VCF-style: chr5-90049468-G-T.
Other names: short protein forms E3733D.
Identifiers: ClinVar variation 1935274 (VCV001935274.2), dbSNP rs964686947, ClinGen allele CA122797997.